The following is an entry in ClinVar:

ClinVar aggregate classification (germline): Pathogenic/Likely pathogenic. Review status: criteria provided, multiple submitters, no conflicts (2 of 4 stars). 2 submissions from 2 submitters: Pathogenic (1); Likely pathogenic (1). Last evaluated 2023-08-10.

Conditions:
BEST1-related disorder. Also called: BEST1-related disorders; BEST1-related condition. Identifiers: MedGen CN239200.

Submissions (2):

Labcorp Genetics (formerly Invitae), Labcorp
Classification: Pathogenic. Last evaluated: 2023-08-10. Review status: criteria provided, single submitter. Criteria: Invitae Variant Classification Sherloc (09022015). Collection method: clinical testing. Allele origin: germline.
Comment: For these reasons, this variant has been classified as Pathogenic. ClinVar contains an entry for this variant (Variation ID: 2050629). This variant has not been reported in the literature in individuals affected with BEST1-related conditions. This variant is not present in population databases (gnomAD no frequency). This sequence change creates a premature translational stop signal (p.Ser192*) in the BEST1 gene. It is expected to result in an absent or disrupted protein product. Loss-of-function variants in BEST1 are known to be pathogenic (PMID: 21825197).

Blueprint Genetics
Classification: Likely pathogenic for BEST1-related disorders. Last evaluated: 2022-11-18. Review status: criteria provided, single submitter. Criteria: ACMG Guidelines, 2015. Collection method: clinical testing. Allele origin: germline. Affected: yes. Observed: 1 variant allele.

Literature cited by the submitters: PubMed 21825197 (cited by Labcorp Genetics (formerly Invitae), Labcorp).

NM_004183.4(BEST1):c.575C>A (p.Ser192Ter)

Gene: BEST1 (bestrophin 1; plus strand). Cytogenetic location: 11q12.3.
Variant type: single nucleotide variant.
Coding change: c.575C>A on transcript NM_004183.4 (MANE Select); coding-DNA position 575, C replaced by A.
Protein change: p.Ser192Ter; replaces serine 192 with a stop codon.
Molecular consequence: nonsense. On other transcripts: non-coding transcript variant (1).
Genome position (GRCh38, 1-based): chr11:61,956,937, C>A. VCF-style: chr11-61956937-C-A. GRCh37 (hg19) VCF-style: chr11-61724409-C-A.
Other names: c.395C>A, p.Ser132Ter (NM_001139443.3, NM_001300786.2, NM_001300787.2); c.257C>A, p.Ser86Ter (NM_001363591.3); c.575C>A, p.Ser192Ter (NM_001363592.2); c.-601C>A (NM_001363593.3); short protein forms S132*, S192*, S86*.
Identifiers: ClinVar variation 2050629 (VCV002050629.5), dbSNP rs2541372475, ClinGen allele CA380837517.